The following is an entry in ClinVar:

ClinVar aggregate classification (germline): Likely benign. Review status: criteria provided, multiple submitters, no conflicts (2 of 4 stars). 3 submissions from 3 submitters: Likely benign (2). 1 of the submissions does not count toward it. Last evaluated 2024-10-22.

Conditions:
TTC7A-related disorder. Also called: TTC7A-related condition.
Multiple gastrointestinal atresias. Also called: FAMILIAL INTESTINAL POLYATRESIA SYNDROME; Multiple intestinal atresia. Identifiers: Orphanet 2300, MedGen C0220744, MONDO:0009465.

Allele frequency attached by ClinVar (database versions not stated): TOPMed below 0.00001; gnomAD exomes 0.00001; ExAC 0.00002; gnomAD 0.00003; ESP Exome Variant Server 0.00008.
gnomAD v4.1: 12 of 1,612,830 alleles (0.00074%); highest among the groups gnomAD compares: African/African-American, 0.008%; no homozygotes.

Submissions (3):

Labcorp Genetics (formerly Invitae), Labcorp
Classification: Likely benign for Multiple gastrointestinal atresias. Last evaluated: 2024-10-22. Review status: criteria provided, single submitter. Criteria: Invitae Variant Classification Sherloc (09022015). Collection method: clinical testing. Allele origin: germline.

Blueprint Genetics
Classification: Likely benign. Last evaluated: 2019-12-09. Review status: criteria provided, single submitter. Criteria: ACMG Guidelines, 2015. Collection method: clinical testing. Allele origin: germline.

PreventionGenetics, part of Exact Sciences
Classification: Likely benign for TTC7A-related condition. Last evaluated: 2022-04-26. Review status: no assertion criteria provided. Collection method: clinical testing. Allele origin: germline. Not counted in ClinVar's aggregate classification.
Comment: This variant is classified as likely benign based on ACMG/AMP sequence variant interpretation guidelines (Richards et al. 2015 PMID: 25741868, with internal and published modifications).

NM_020458.4(TTC7A):c.2356-9C>T

Gene: TTC7A (tetratricopeptide repeat domain 7A; plus strand). Cytogenetic location: 2p21.
Variant type: single nucleotide variant.
Coding change: c.2356-9C>T on transcript NM_020458.4 (MANE Select); 9 bases into the intron before coding-DNA position 2356, C replaced by T.
Molecular consequence: intron variant.
Genome position (GRCh38, 1-based): chr2:47,073,693, C>T. VCF-style: chr2-47073693-C-T. GRCh37 (hg19) VCF-style: chr2-47300832-C-T.
Other names: c.2254-9C>T (NM_001288953.2); c.2428-9C>T (NM_001288951.2); c.1294-9C>T (NM_001288955.2); c.2356-9C>T (NM_020458.3).
Identifiers: ClinVar variation 1137119 (VCV001137119.12), dbSNP rs373276280, ClinGen allele CA1648132.